The following is an entry in ClinVar:

ClinVar aggregate classification (germline): Pathogenic (1 of 4 stars; one submission).

Conditions:
Peutz-Jeghers syndrome (PJS). Also called: POLYPOSIS, HAMARTOMATOUS INTESTINAL; POLYPS-AND-SPOTS SYNDROME; Peutz-Jeghers polyposis; Periorificial lentiginosis syndrome. Identifiers: Orphanet 2869, MedGen C0031269, MeSH D010580, MONDO:0008280, OMIM 175200.

Submission:

Labcorp Genetics (formerly Invitae), Labcorp
Classification: Pathogenic for Peutz-Jeghers syndrome. Last evaluated: 2021-10-16. Review status: criteria provided, single submitter. Criteria: Invitae Variant Classification Sherloc (09022015). Collection method: clinical testing. Allele origin: germline.
Comment: For these reasons, this variant has been classified as Pathogenic. A similar copy number variant has been observed in individual(s) with Peutz-Jeghers syndrome (PMID: 24652667). This variant is a gross deletion of the genomic region encompassing exon(s) 6 of the STK11 gene. This deletion is out-of-frame, and is expected to create a premature termination codon and result in an absent or disrupted protein product. Loss-of-function variants in STK11 are known to be pathogenic (PMID: 15188174, 16287113).

Literature cited by the submitters: PubMed 24652667; PubMed 15188174; PubMed 16287113.

NC_000019.9:g.(?_1221202)_(1221349_?)del

Gene: STK11 (serine/threonine kinase 11; plus strand). Cytogenetic location: 19p13.3.
Variant type: Deletion.
Identifiers: ClinVar variation 1456667 (VCV001456667.4).